The following is an entry in ClinVar:

ClinVar aggregate classification (germline): Uncertain significance. Review status: criteria provided, multiple submitters, no conflicts (2 of 4 stars). 2 submissions from 2 submitters: Uncertain significance (2). Last evaluated 2023-12-20.

Conditions:
Inborn genetic diseases. Identifiers: MedGen C0950123, MeSH D030342.
Congenital myasthenic syndrome 8. Also called: MYASTHENIC SYNDROME, CONGENITAL, DUE TO AGRIN DEFICIENCY; Myasthenic syndrome, congenital, 8, with pre- and postsynaptic defects. Identifiers: Orphanet 590, MedGen C3808739, MONDO:0014052, OMIM 615120.

Allele frequency attached by ClinVar (database versions not stated): gnomAD 0.00002 and 0.00003; gnomAD exomes 0.00002 and 0.00003; ExAC 0.00003; TOPMed 0.00003; ESP Exome Variant Server 0.00008.
gnomAD v4.1: 32 of 1,608,834 alleles (0.002%); highest among the groups gnomAD compares: South Asian, 0.013%; no homozygotes.

Submissions (2):

Ambry Genetics
Classification: Uncertain significance for Inborn genetic diseases. Last evaluated: 2023-12-20. Review status: criteria provided, single submitter. Criteria: Ambry Variant Classification Scheme 2023. Collection method: clinical testing. Allele origin: germline.

Labcorp Genetics (formerly Invitae), Labcorp
Classification: Uncertain significance for Congenital myasthenic syndrome 8. Last evaluated: 2021-01-20. Review status: criteria provided, single submitter. Criteria: Invitae Variant Classification Sherloc (09022015). Collection method: clinical testing. Allele origin: germline.
Comment: This variant has not been reported in the literature in individuals with AGRN-related conditions. This variant is present in population databases (rs375076629, ExAC 0.01%). This sequence change replaces alanine with valine at codon 512 of the AGRN protein (p.Ala512Val). The alanine residue is weakly conserved and there is a small physicochemical difference between alanine and valine. In summary, the available evidence is currently insufficient to determine the role of this variant in disease. Therefore, it has been classified as a Variant of Uncertain Significance. Algorithms developed to predict the effect of missense changes on protein structure and function output the following: SIFT: "Tolerated"; PolyPhen-2: "Possibly Damaging"; Align-GVGD: "Class C0". The valine amino acid residue is found in multiple mammalian species, suggesting that this missense change does not adversely affect protein function. These predictions have not been confirmed by published functional studies and their clinical significance is uncertain.

NM_198576.4(AGRN):c.1535C>T (p.Ala512Val)

Gene: AGRN (agrin; plus strand). Cytogenetic location: 1p36.33.
Variant type: single nucleotide variant.
Coding change: c.1535C>T on transcript NM_198576.4 (MANE Select); coding-DNA position 1535, C replaced by T.
Protein change: p.Ala512Val; replaces alanine 512 with valine.
Molecular consequence: missense variant.
Genome position (GRCh38, 1-based): chr1:1,043,389, C>T. VCF-style: chr1-1043389-C-T. GRCh37 (hg19) VCF-style: chr1-978769-C-T.
Other names: c.1535C>T, p.Ala512Val (NM_001305275.2); c.1220C>T, p.Ala407Val (NM_001364727.2); c.1535C>T (NM_198576.3); short protein forms A407V, A512V.
Identifiers: ClinVar variation 1439484 (VCV001439484.7), dbSNP rs375076629, ClinGen allele CA508218.